The following is an entry in ClinVar:

ClinVar aggregate classification (germline): Conflicting classifications of pathogenicity. Review status: criteria provided, conflicting classifications (1 of 4 stars). 2 submissions from 2 submitters: Uncertain significance (1); Likely benign (1). Last evaluated 2025-03-01.

Conditions:
Intellectual developmental disorder, X-linked 90. Also called: DLG3-Related X-Linked Nonsyndromic Mental Retardation; Intellectual disability, X-linked 90. Identifiers: Orphanet 777, MedGen C3275443, MONDO:0010452, OMIM 300850.

Allele frequency attached by ClinVar (database versions not stated): gnomAD exomes 0.00003; ExAC 0.00001; TOPMed 0.00001.
gnomAD v4.1: 28 of 1,210,730 alleles (0.0023%); highest among the groups gnomAD compares: Non-Finnish European, 0.003%; no homozygotes.

Submissions (2):

CeGaT Center for Human Genetics Tuebingen
Classification: Likely benign. Last evaluated: 2025-03-01. Review status: criteria provided, single submitter. Criteria: CeGaT Center For Human Genetics Tuebingen Variant Classification Criteria Version 2. Collection method: clinical testing. Allele origin: germline. Affected: yes. Observed: 1 variant allele.
Comment: DLG3: BS2

Victorian Clinical Genetics Services, Murdoch Childrens Research Institute
Classification: Uncertain significance for Intellectual developmental disorder, X-linked 90. Last evaluated: 2020-06-11. Review status: criteria provided, single submitter. Criteria: ACMG Guidelines, 2015. Collection method: clinical testing. Allele origin: germline. Inheritance: X-linked recessive inheritance. Affected: yes.
Comment: Based on the classification scheme VCGS_Germline_v1.1.1, this variant is classified as VUS – 3B. Following criteria are met: 0102 - Loss-of-function is a known mechanism of disease for this gene. (N) 0109 - This gene is known to be associated with X-linked recessive disease. (N) 0200 - Variant is predicted to result in a missense amino acid change from serine to leucine (exon 4). (N) 0253 - Variant is hemizygous. (N) 0304 - Variant is present in gnomAD <0.01 for a recessive condition (4 heterozygotes, 0 hemizygotes, 0 homozygotes). (P) 0501 - Missense variant consistently predicted to be damaging by multiple in silico tools or highly conserved with a major amino acid change. (P) 0600 - Variant is located in an annotated domain or motif, (PDZ 1 domain; PDB, NCBI). (N) 0705 - No comparable variants have previous evidence for pathogenicity. (N) 0807 - Variant has not previously been reported in a clinical context. (N) 0905 - No segregation evidence has been identified for this variant. (N) 1007 - No published functional evidence has been identified for this variant. (N) 1208 - Inheritance information for this variant is not currently available. (N) Legend: (P) - Pathogenic, (N) - Neutral, (B) - Benign

NM_021120.4(DLG3):c.575C>T (p.Ser192Leu)

Gene: DLG3 (discs large MAGUK scaffold protein 3; plus strand). Cytogenetic location: Xq13.1.
Variant type: single nucleotide variant.
Coding change: c.575C>T on transcript NM_021120.4 (MANE Select); coding-DNA position 575, C replaced by T.
Protein change: p.Ser192Leu; replaces serine 192 with leucine.
Molecular consequence: missense variant.
Genome position (GRCh38, 1-based): chrX:70,449,731, C>T. VCF-style: chrX-70449731-C-T. GRCh37 (hg19) VCF-style: chrX-69669581-C-T.
Other names: short protein forms S192L.
Identifiers: ClinVar variation 1805626 (VCV001805626.8), dbSNP rs751846954, ClinGen allele CA10441991.